The following is an entry in ClinVar:

NC_000005.10:g.112707385G>A

Gene: APC (APC regulator of Wnt signaling pathway; plus strand). Cytogenetic location: 5q22.2.
Variant type: single nucleotide variant.
Genome position: GRCh38 VCF-style: chr5-112707385-G-A. GRCh37 (hg19) VCF-style: chr5-112043082-G-A.
Identifiers: ClinVar variation 1022863 (VCV001022863.10), dbSNP rs1192399402, ClinGen allele CA1573442228.
Genomic context (GRCh38, chr5:112,707,385, plus strand): 5'-CAGAGAAGGCCAGTAAGTGCTGCAACTGAGACTCGGCTGCCTAGGCAGCAATGGCTCACG[G>A]GACAGAACAGCGAAGCAGTGCCCGGCAAGCGGAGCGCAGCACCCATTGCGCCTGCGCATA-3'

ClinVar aggregate classification (germline): Uncertain significance (1 of 4 stars; one submission).

Conditions:
Familial adenomatous polyposis 1 (FAP1). Also called: POLYPOSIS, ADENOMATOUS INTESTINAL; FAMILIAL ADENOMATOUS POLYPOSIS 1, ATTENUATED. Identifiers: MedGen C2713442, MONDO:0021056, OMIM 175100. Disease mechanism: loss of function.

Submission:

Labcorp Genetics (formerly Invitae), Labcorp
Classification: Uncertain significance for Familial adenomatous polyposis 1. Last evaluated: 2023-05-24. Review status: criteria provided, single submitter. Criteria: Invitae Variant Classification Sherloc (09022015). Collection method: clinical testing. Allele origin: germline.
Comment: In summary, the available evidence is currently insufficient to determine the role of this variant in disease. Therefore, it has been classified as a Variant of Uncertain Significance. This variant occurs in a non-coding region of the APC gene. It does not change the encoded amino acid sequence of the APC protein. This variant is not present in population databases (gnomAD no frequency). This variant has not been reported in the literature in individuals affected with APC-related conditions. Experimental studies and prediction algorithms are not available or were not evaluated, and the functional significance of this variant is currently unknown.